The following is an entry in ClinVar:

ClinVar aggregate classification (germline): Pathogenic (1 of 4 stars; one submission).

Submission:

Labcorp Genetics (formerly Invitae), Labcorp
Classification: Pathogenic. Last evaluated: 2022-01-12. Review status: criteria provided, single submitter. Criteria: Invitae Variant Classification Sherloc (09022015). Collection method: clinical testing. Allele origin: germline.
Comment: This variant is not present in population databases (gnomAD no frequency). This sequence change creates a premature translational stop signal (p.Ala597Glyfs*21) in the ATP2B2 gene. It is expected to result in an absent or disrupted protein product. Loss-of-function variants in ATP2B2 are known to be pathogenic (PMID: 30535804). This variant has not been reported in the literature in individuals affected with ATP2B2-related conditions. For these reasons, this variant has been classified as Pathogenic.

Literature cited by the submitters: PubMed 30535804.

NM_001001331.4(ATP2B2):c.1924dup (p.Ala642fs)

Gene: ATP2B2 (ATPase plasma membrane Ca2+ transporting 2; minus strand). Cytogenetic location: 3p25.3.
Variant type: Duplication.
Coding change: c.1924dup on transcript NM_001001331.4 (MANE Select); coding-DNA position 1924, one base duplicated (G; older notation c.1924dupG).
Protein change: p.Ala642fs; shifts the reading frame from alanine 642.
Molecular consequence: frameshift variant.
Genome position (GRCh38, 1-based): chr3:10,358,903, C duplicated on the plus strand (G on the coding strand, the reverse complement: ATP2B2 is on the minus strand); the first of 4 consecutive C bases (chr3:10,358,903-10,358,906); duplicating any one gives the same sequence. VCF-style (leftmost placement, unchanged base first): chr3-10358902-G-GC. GRCh37 (hg19) VCF-style: chr3-10400586-G-GC.
Other names: c.1789dup, p.Ala597fs (NM_001330611.3, NM_001353564.1, NM_001363862.1 and 1 more transcripts); short protein forms A597fs, A642fs.
Identifiers: ClinVar variation 2080750 (VCV002080750.4), dbSNP rs2470282949, ClinGen allele CA2580068396.